The following is an entry in ClinVar:

NM_001042492.3(NF1):c.340C>T (p.Leu114=)

Gene: NF1 (neurofibromin 1; plus strand). Cytogenetic location: 17q11.2.
Variant type: single nucleotide variant.
Coding change: c.340C>T on transcript NM_001042492.3 (MANE Select); coding-DNA position 340, C replaced by T.
Protein change: p.Leu114=; no amino-acid change (leucine 114 retained).
Molecular consequence: synonymous variant.
Genome position (GRCh38, 1-based): chr17:31,163,237, C>T. VCF-style: chr17-31163237-C-T. GRCh37 (hg19) VCF-style: chr17-29490255-C-T.
Other names: p.Leu114=; c.340C>T, p.Leu114= (NM_000267.4, NM_001128147.3).
Identifiers: ClinVar variation 141237 (VCV000141237.55), dbSNP rs7207410, ClinGen allele CA164878.

ClinVar aggregate classification (germline): Benign/Likely benign. Review status: criteria provided, multiple submitters, no conflicts (2 of 4 stars). 22 submissions from 19 submitters: Benign (17); Likely benign (5). Last evaluated 2026-05-14.

Conditions:
Chromosome 17q11.2 deletion syndrome, 1.4Mb. Also called: NEUROFIBROMATOSIS 1 MICRODELETION SYNDROME; VAN ASPEREN SYNDROME; NF1 MICRODELETION SYNDROME; Chromosome 17q11.2 deletion syndrome, 1.4 MB. Identifiers: Orphanet 139474, Orphanet 636, Orphanet 97685, MedGen C5401456, MONDO:0013357, OMIM 613675.
Hereditary cancer-predisposing syndrome. Also called: Tumor predisposition; Hereditary neoplastic syndrome; Hereditary Cancer Syndrome; Neoplastic Syndromes, Hereditary. Identifiers: Orphanet 140162, MedGen C0027672, MeSH D009386, MONDO:0015356.
Neurofibromatosis, familial spinal (FSNF). Identifiers: Orphanet 636, MedGen C1834235, MONDO:0008078, OMIM 162210. Disease mechanism: loss of function.
Neurofibromatosis, type 1 (NF1). Also called: NEUROFIBROMATOSIS, TYPE I, SOMATIC; VON RECKLINGHAUSEN DISEASE; Neurofibromatosis, type I; Peripheral type neurofibromatosis. Identifiers: Orphanet 636, MedGen C0027831, MONDO:0018975, OMIM 162200. Disease mechanism: loss of function.
Juvenile myelomonocytic leukemia (JMML). Also called: LEUKEMIA, JUVENILE MYELOMONOCYTIC, SOMATIC. Identifiers: Orphanet 86834, MedGen C0349639, MONDO:0011908, OMIM 607785, HP:0012209.
Neurofibromatosis-Noonan syndrome (NFNS). Also called: NEUROFIBROMATOSIS WITH NOONAN PHENOTYPE. Identifiers: Orphanet 638, MedGen C2931482, MONDO:0011035, OMIM 601321. Disease mechanism: loss of function.
Café-au-lait macules with pulmonary stenosis (WTSN). Also called: PULMONIC STENOSIS WITH CAFE-AU-LAIT SPOTS. Identifiers: MedGen C0553586, MONDO:0008672, OMIM 193520.

Allele frequency attached by ClinVar (database versions not stated): gnomAD exomes 0.00030 and 0.00085; ExAC 0.00099; 1000 Genomes Project 0.00180; 1000 Genomes Project 30x 0.00203; gnomAD 0.00283 and 0.00309; TOPMed 0.00342; ESP Exome Variant Server 0.00400.

Submissions (22):

Myriad Genetics, Inc.
Classification: Benign for Neurofibromatosis, type 1. Last evaluated: 2026-05-14. Review status: criteria provided, single submitter. Criteria: Myriad Autosomal Dominant, Autosomal Recessive and X-Linked Classification Criteria (2023). Collection method: clinical testing. Allele origin: unknown.
Comment: This variant is considered benign. This variant is a silent/synonymous amino acid change and it is not expected to impact splicing.

Labcorp Genetics (formerly Invitae), Labcorp
Classification: Benign for Neurofibromatosis, type 1. Last evaluated: 2026-02-03. Review status: criteria provided, single submitter. Criteria: Invitae Variant Classification Sherloc (09022015). Collection method: clinical testing. Allele origin: germline.

Molecular Diagnostics Laboratory, Catalan Institute of Oncology
Classification: Benign for Hereditary cancer-predisposing syndrome. Last evaluated: 2025-07-23. Review status: criteria provided, single submitter. Criteria: ACMG Guidelines, 2015. Collection method: clinical testing. Allele origin: germline.
Comment: BA1, BP4, BP7 c.340C>T located in exon 4 of the NF1 gene is predicted to result in no splicing alteration (according to SpliceAI) and no amino acid change, p.(Leu114=)(BP4, BP7). This variant is found in 284/23614 alleles (2 homozygous), with a filter allele frequency of 1.04% at 99% confidence in the gnomAD v2.1.1 database (African non-cancer data set)(BA1). To our knowledge, functional studies have not been reported for this variant. In addition, the variant was also identified in the ClinVar database (13x benign, 4x likely benign) and in the LOVD database (2x benign). Based on currently available information, c.340C>T is classified as a benign variant according to ACMG guidelines.

ARUP Laboratories, Molecular Genetics and Genomics, ARUP Laboratories
Classification: Benign. Last evaluated: 2025-07-22. Review status: criteria provided, single submitter. Criteria: ARUP Molecular Germline Variant Investigation Process 2024. Collection method: clinical testing. Allele origin: germline.

Mayo Clinic Laboratories, Mayo Clinic
Classification: Benign. Last evaluated: 2025-01-10. Review status: criteria provided, single submitter. Criteria: ACMG Guidelines, 2015. Collection method: clinical testing. Allele origin: germline. Observed: 1 variant allele.
Comment: BS1, BS2, BP4, BP7

Blueprint Genetics
Classification: Likely benign. Last evaluated: 2024-08-28. Review status: criteria provided, single submitter. Criteria: ACMG Guidelines, 2015. Collection method: clinical testing. Allele origin: germline.

CeGaT Center for Human Genetics Tuebingen
Classification: Benign. Last evaluated: 2023-09-01. Review status: criteria provided, single submitter. Criteria: CeGaT Center For Human Genetics Tuebingen Variant Classification Criteria Version 2. Collection method: clinical testing. Allele origin: germline. Affected: yes. Observed: 1 variant allele.
Comment: NF1: BP4, BP7, BS1, BS2

Fulgent Genetics
Classification: Likely benign for Neurofibromatosis, type 1; Neurofibromatosis, familial spinal; Café-au-lait macules with pulmonary stenosis; Neurofibromatosis-Noonan syndrome; Juvenile myelomonocytic leukemia. Last evaluated: 2022-05-19. Review status: criteria provided, single submitter. Criteria: ACMG Guidelines, 2015. Collection method: clinical testing. Allele origin: unknown.

Genome-Nilou Lab
Classification: Likely benign for Neurofibromatosis, type 1. Last evaluated: 2022-03-15. Review status: criteria provided, single submitter. Criteria: ACMG Guidelines, 2015. Collection method: clinical testing. Allele origin: germline. Affected: no.

Department of Pathology and Laboratory Medicine, Sinai Health System
Classification: Benign for Chromosome 17q11.2 deletion syndrome, 1.4Mb. Last evaluated: 2022-01-31. Review status: criteria provided, single submitter. Criteria: ACMG Guidelines, 2015. Collection method: clinical testing. Allele origin: germline. Affected: yes.

GeneDx
Classification: Likely benign. Last evaluated: 2021-03-10. Review status: criteria provided, single submitter. Criteria: GeneDx Variant Classification Process June 2021. Collection method: clinical testing. Allele origin: germline. Affected: yes.

Genome Diagnostics Laboratory, The Hospital for Sick Children
Classification: Likely benign for Neurofibromatosis, type 1. Last evaluated: 2020-10-26. Review status: criteria provided, single submitter. Criteria: ACMG Guidelines, 2015. Collection method: clinical testing. Allele origin: germline. Affected: yes.

Quest Diagnostics Nichols Institute San Juan Capistrano
Classification: Benign. Last evaluated: 2020-08-14. Review status: criteria provided, single submitter. Criteria: Quest Diagnostics criteria. Collection method: clinical testing. Allele origin: unknown.

Sema4
Classification: Benign for Hereditary cancer-predisposing syndrome. Last evaluated: 2020-07-08. Review status: criteria provided, single submitter. Criteria: Sema4 Curation Guidelines. Collection method: curation. Allele origin: germline.

Women's Health and Genetics/Laboratory Corporation of America, LabCorp
Classification: Benign. Last evaluated: 2019-10-28. Review status: criteria provided, single submitter. Criteria: LabCorp Variant Classification Summary - May 2015. Collection method: clinical testing. Allele origin: germline.

Illumina Laboratory Services, Illumina
Classification: Benign for Café-au-lait macules with pulmonary stenosis. Last evaluated: 2018-01-12. Review status: criteria provided, single submitter. Criteria: ICSL Variant Classification Criteria 13 December 2019. Collection method: clinical testing. Allele origin: germline.
Comment: This variant was observed in the ICSL laboratory as part of a predisposition screen in an ostensibly healthy population. It had not been previously curated by ICSL or reported in the Human Gene Mutation Database (HGMD: prior to June 1st, 2018), and was therefore a candidate for classification through an automated scoring system. Utilizing variant allele frequency, disease prevalence and penetrance estimates, and inheritance mode, an automated score was calculated to assess if this variant is too frequent to cause the disease. Based on the score and internal cut-off values, a variant classified as benign is not then subjected to further curation. The score for this variant resulted in a classification of benign for this disease.

Illumina Laboratory Services, Illumina
Classification: Benign for Neurofibromatosis, type 1. Last evaluated: 2018-01-12. Review status: criteria provided, single submitter. Criteria: ICSL Variant Classification Criteria 13 December 2019. Collection method: clinical testing. Allele origin: germline.
Comment: the same text as in the submission from Illumina Laboratory Services, Illumina above.

Illumina Laboratory Services, Illumina
Classification: Benign for Neurofibromatosis-Noonan syndrome. Last evaluated: 2018-01-12. Review status: criteria provided, single submitter. Criteria: ICSL Variant Classification Criteria 13 December 2019. Collection method: clinical testing. Allele origin: germline.
Comment: the same text as in the submission from Illumina Laboratory Services, Illumina above.

Illumina Laboratory Services, Illumina
Classification: Benign for Neurofibromatosis, familial spinal. Last evaluated: 2018-01-12. Review status: criteria provided, single submitter. Criteria: ICSL Variant Classification Criteria 13 December 2019. Collection method: clinical testing. Allele origin: germline.
Comment: the same text as in the submission from Illumina Laboratory Services, Illumina above.

Genetic Services Laboratory, University of Chicago
Classification: Benign. Last evaluated: 2016-10-14. Review status: criteria provided, single submitter. Criteria: ACMG Guidelines, 2015. Collection method: clinical testing. Allele origin: germline. Affected: no.

Ambry Genetics
Classification: Benign for Hereditary cancer-predisposing syndrome. Last evaluated: 2014-12-23. Review status: criteria provided, single submitter. Criteria: Ambry Autosomal Dominant and X-Linked criteria (10/2015). Collection method: clinical testing. Allele origin: germline. Observed: 1 variant allele.
Comment: General population or subpopulation frequency is too high to be a pathogenic mutation based on disease/syndrome prevalence and penetrance

PreventionGenetics, part of Exact Sciences
Classification: Benign. Review status: criteria provided, single submitter. Criteria: ACMG Guidelines, 2015. Collection method: clinical testing. Allele origin: germline.

Literature cited by the submitters: PubMed 10712197 (cited by Women's Health and Genetics/Laboratory Corporation of America, LabCorp); PubMed 10678181 (cited by Women's Health and Genetics/Laboratory Corporation of America, LabCorp); PubMed 23460398 (cited by Women's Health and Genetics/Laboratory Corporation of America, LabCorp); PubMed 27069254 (cited by Women's Health and Genetics/Laboratory Corporation of America, LabCorp).